The following is an entry in ClinVar:

NM_000051.4(ATM):c.706C>G (p.Leu236Val)

Gene: ATM (ATM serine/threonine kinase; plus strand). Cytogenetic location: 11q22.3.
Variant type: single nucleotide variant.
Coding change: c.706C>G on transcript NM_000051.4 (MANE Select); coding-DNA position 706, C replaced by G.
Protein change: p.Leu236Val; replaces leucine 236 with valine.
Molecular consequence: missense variant.
Genome position (GRCh38, 1-based): chr11:108,244,831, C>G. VCF-style: chr11-108244831-C-G. GRCh37 (hg19) VCF-style: chr11-108115558-C-G.
Other names: c.706C>G, p.Leu236Val (NM_001351834.2); short protein forms L236V.
Identifiers: ClinVar variation 284441 (VCV000284441.25), dbSNP rs886042866, ClinGen allele CA10604790.
Genomic context (GRCh38, chr11:108,244,831, plus strand): 5'-TGTTTGTTTCTTCACAGACAAGAAAAGAGCTCTTCAGGTCTAAATCATATCTTAGCAGCT[C>G]TTACTATCTTCCTCAAGACTTTGGCTGTCAACTTTCGAATTCGAGTGTGTGAATTAGGAG-3'
Protein context (NP_000042.3, residues 226-246): SSGLNHILAA[Leu236Val]TIFLKTLAVN

ClinVar aggregate classification (germline): Uncertain significance. Review status: criteria provided, multiple submitters, no conflicts (2 of 4 stars). 5 submissions from 5 submitters: Uncertain significance (4). 1 of the submissions does not count toward it. Last evaluated 2025-10-14.

Conditions:
Hereditary cancer-predisposing syndrome. Also called: Neoplastic Syndromes, Hereditary; Tumor predisposition; Hereditary neoplastic syndrome; Hereditary Cancer Syndrome. Identifiers: Orphanet 140162, MedGen C0027672, MeSH D009386, MONDO:0015356.
Ataxia-telangiectasia syndrome (AT). Also called: Ataxia-telangiectasia, complementation group D; AT, COMPLEMENTATION GROUP C; LOUIS-BAR SYNDROME; Ataxia-telangiectasia; Ataxia-telangiectasia, complementation group E; Ataxia telangiectasia (A-T). Identifiers: Orphanet 100, MedGen C0004135, MONDO:0008840, OMIM 208900.

Submissions (5):

Labcorp Genetics (formerly Invitae), Labcorp
Classification: Uncertain significance for Ataxia-telangiectasia syndrome. Last evaluated: 2025-10-14. Review status: criteria provided, single submitter. Criteria: Invitae Variant Classification Sherloc (09022015). Collection method: clinical testing. Allele origin: germline.
Comment: This sequence change replaces leucine, which is neutral and non-polar, with valine, which is neutral and non-polar, at codon 236 of the ATM protein (p.Leu236Val). This variant is not present in population databases (gnomAD no frequency). This variant has not been reported in the literature in individuals affected with ATM-related conditions. ClinVar contains an entry for this variant (Variation ID: 284441). Invitae Evidence Modeling of protein sequence and biophysical properties (such as structural, functional, and spatial information, amino acid conservation, physicochemical variation, residue mobility, and thermodynamic stability) indicates that this missense variant is not expected to disrupt ATM protein function with a negative predictive value of 95%. In summary, the available evidence is currently insufficient to determine the role of this variant in disease. Therefore, it has been classified as a Variant of Uncertain Significance.

Color Diagnostics, LLC DBA Color Health
Classification: Uncertain significance for Hereditary cancer-predisposing syndrome. Last evaluated: 2023-12-05. Review status: criteria provided, single submitter. Criteria: ACMG Guidelines, 2015. Collection method: clinical testing. Allele origin: germline.
Comment: This missense variant replaces leucine with valine at codon 236 of the ATM protein. Computational prediction suggests that this variant may not impact protein structure and function (internally defined REVEL score threshold <= 0.5, PMID: 27666373). To our knowledge, functional studies have not been reported for this variant. This variant has not been reported in individuals affected with ATM-related disorders in the literature. This variant has not been identified in the general population by the Genome Aggregation Database (gnomAD). The available evidence is insufficient to determine the role of this variant in disease conclusively. Therefore, this variant is classified as a Variant of Uncertain Significance.

Ambry Genetics
Classification: Uncertain significance for Hereditary cancer-predisposing syndrome. Last evaluated: 2021-12-08. Review status: criteria provided, single submitter. Criteria: Ambry Variant Classification Scheme 2023. Collection method: clinical testing. Allele origin: germline.
Comment: The p.L236V variant (also known as c.706C>G), located in coding exon 6 of the ATM gene, results from a C to G substitution at nucleotide position 706. The leucine at codon 236 is replaced by valine, an amino acid with highly similar properties. This amino acid position is not well conserved in available vertebrate species. In addition, this alteration is predicted to be tolerated by in silico analysis. Since supporting evidence is limited at this time, the clinical significance of this alteration remains unclear.

Eurofins Ntd Llc (ga)
Classification: Uncertain significance. Last evaluated: 2015-10-28. Review status: criteria provided, single submitter. Criteria: EGL Classification Definitions 2015. Collection method: clinical testing. Allele origin: germline. Observed: 1 variant allele, 1 heterozygote.

Natera, Inc.
Classification: Uncertain significance for Ataxia-telangiectasia. Last evaluated: 2020-07-29. Review status: no assertion criteria provided. Collection method: clinical testing. Allele origin: germline. Not counted in ClinVar's aggregate classification.